The following is an entry in ClinVar:

NM_176824.3(BBS7):c.1991C>T (p.Pro664Leu)

Gene: BBS7 (Bardet-Biedl syndrome 7; minus strand). Cytogenetic location: 4q27.
Variant type: single nucleotide variant.
Coding change: c.1991C>T on transcript NM_176824.3 (MANE Select); coding-DNA position 1991, C replaced by T.
Protein change: p.Pro664Leu; replaces proline 664 with leucine.
Molecular consequence: missense variant.
Genome position (GRCh38, 1-based): chr4:121,828,169, G>A on the plus strand (C>T on the coding strand, the complement: BBS7 is on the minus strand). VCF-style: chr4-121828169-G-A. GRCh37 (hg19) VCF-style: chr4-122749324-G-A.
Other names: c.1991C>T, p.Pro664Leu (NM_018190.4); short protein forms P664L.
Identifiers: ClinVar variation 938988 (VCV000938988.9), dbSNP rs375084239, ClinGen allele CA3064078.
Genomic context (GRCh38, chr4:121,828,169, plus strand): 5'-AGAAATATGGCAAGGTATTCTAGAATGGTCCACTAACCATAGAGTCTTTCAAGATGTGCA[G>A]GTTGCTTTTTGTATTCTTCCTGTAGGTGATCTGCCTCTTCTAGAATACAGTGATATTCTG-3'
Protein context (NP_789794.1, residues 654-674): DHLQEEYKKQ[Pro664Leu]AHLERLYGMI

ClinVar aggregate classification (germline): Uncertain significance. Review status: criteria provided, multiple submitters, no conflicts (2 of 4 stars). 4 submissions from 4 submitters: Uncertain significance (4). Last evaluated 2025-08-28.

Conditions:
BBS7-related disorder. Also called: BBS7-related condition.
Inborn genetic diseases. Identifiers: MedGen C0950123, MeSH D030342.
Bardet-Biedl syndrome 7 (BBS7). Identifiers: Orphanet 110, MedGen C1859565, MONDO:0014435, OMIM 615984.
Bardet-Biedl syndrome (BBS). Identifiers: Orphanet 110, MedGen C0752166, MONDO:0015229.

Allele frequency attached by ClinVar (database versions not stated): gnomAD exomes below 0.00001 and 0.00002; ExAC 0.00004; TOPMed 0.00006; gnomAD 0.00010 and 0.00011; ESP Exome Variant Server 0.00015.
gnomAD v4.1: 19 of 1,613,694 alleles (0.0012%); highest among the groups gnomAD compares: African/African-American, 0.02%; no homozygotes.

Submissions (4):

PreventionGenetics, part of Exact Sciences
Classification: Uncertain significance for BBS7-related condition. Last evaluated: 2025-08-28. Review status: criteria provided, single submitter. Criteria: ACMG Guidelines, 2015. Collection method: clinical testing. Allele origin: germline.
Comment: The BBS7 c.1991C>T variant is predicted to result in the amino acid substitution p.Pro664Leu. To our knowledge, this variant has not been reported in the literature. This variant is reported in 0.028% of alleles in individuals of African descent in gnomAD. At this time, the clinical significance of this variant is uncertain due to the absence of conclusive functional and genetic evidence.

Fulgent Genetics
Classification: Uncertain significance for Bardet-Biedl syndrome 7. Last evaluated: 2024-01-05. Review status: criteria provided, single submitter. Criteria: ACMG Guidelines, 2015. Collection method: clinical testing. Allele origin: germline.

Ambry Genetics
Classification: Uncertain significance for Inborn genetic diseases. Last evaluated: 2023-04-27. Review status: criteria provided, single submitter. Criteria: Ambry Variant Classification Scheme 2023. Collection method: clinical testing. Allele origin: germline.

Labcorp Genetics (formerly Invitae), Labcorp
Classification: Uncertain significance for Bardet-Biedl syndrome. Last evaluated: 2022-08-31. Review status: criteria provided, single submitter. Criteria: Invitae Variant Classification Sherloc (09022015). Collection method: clinical testing. Allele origin: germline.
Comment: This sequence change replaces proline, which is neutral and non-polar, with leucine, which is neutral and non-polar, at codon 664 of the BBS7 protein (p.Pro664Leu). This variant is present in population databases (rs375084239, gnomAD 0.03%). This variant has not been reported in the literature in individuals affected with BBS7-related conditions. ClinVar contains an entry for this variant (Variation ID: 938988). Algorithms developed to predict the effect of missense changes on protein structure and function are either unavailable or do not agree on the potential impact of this missense change (SIFT: "Deleterious"; PolyPhen-2: "Probably Damaging"; Align-GVGD: "Class C15"). In summary, the available evidence is currently insufficient to determine the role of this variant in disease. Therefore, it has been classified as a Variant of Uncertain Significance.